The following is an entry in ClinVar:

NM_015021.3(ZNF292):c.4219G>A (p.Glu1407Lys)

Gene: ZNF292 (zinc finger protein 292; plus strand). Cytogenetic location: 6q14.3.
Variant type: single nucleotide variant.
Coding change: c.4219G>A on transcript NM_015021.3 (MANE Select); coding-DNA position 4219, G replaced by A.
Protein change: p.Glu1407Lys; replaces glutamic acid 1407 with lysine.
Molecular consequence: missense variant.
Genome position (GRCh38, 1-based): chr6:87,257,848, G>A. VCF-style: chr6-87257848-G-A. GRCh37 (hg19) VCF-style: chr6-87967566-G-A.
Other names: c.3799G>A, p.Glu1267Lys (NM_001351444.2); short protein forms E1267K, E1407K.
Identifiers: ClinVar variation 2635139 (VCV002635139.3), dbSNP rs1464593008, ClinGen allele CA364926297.

ClinVar aggregate classification (germline): Uncertain significance. Review status: criteria provided, multiple submitters, no conflicts (2 of 4 stars). 3 submissions from 3 submitters: Uncertain significance (3). Last evaluated 2023-10-24.

Conditions:
ZNF292-related disorder. Also called: ZNF292-related condition.
Intellectual developmental disorder, autosomal dominant 64. Also called: MENTAL RETARDATION, AUTOSOMAL DOMINANT 64. Identifiers: MedGen C5543067, MONDO:0030934, OMIM 619188.

Allele frequency attached by ClinVar (database versions not stated): gnomAD exomes 0.00001.
gnomAD v4.1: 10 of 1,613,828 alleles (0.00062%); highest among the groups gnomAD compares: Non-Finnish European, 0.00085%; no homozygotes.

Submissions (3):

Pittsburgh Clinical Genomics Laboratory, University of Pittsburgh Medical Center
Classification: Uncertain significance for Intellectual developmental disorder, autosomal dominant 64. Last evaluated: 2023-10-24. Review status: criteria provided, single submitter. Criteria: ACMG Guidelines, 2015. Collection method: clinical testing. Allele origin: germline. Inheritance: Autosomal dominant inheritance. Affected: yes.
Comment: This sequence variant is a single nucleotide substitution (G>A) at position 4219 of the coding sequence of the ZNF292 gene that results in a glutamic acid to lysine amino acid change at residue 1407 of the zinc finger protein 292 protein. This variant is absent from ClinVar and present in 1 of 248992 alleles (0.0004%) in the gnomAD population dataset. Multiple bioinformatic tools predict that this glutamic acid to lysine amino acid change would be damaging, and the Glu1407 residue at this position is highly conserved across the vertebrate species examined. Studies examining the functiol consequence of this variant have not been published, to our knowledge. At this time, there is insufficient evidence to determine if this variant is pathogenic or benign. Therefore, we consider this a variant of uncertain significance. ACMG Criteria: PM2, PP3

PreventionGenetics, part of Exact Sciences
Classification: Uncertain significance for ZNF292-related condition. Last evaluated: 2023-01-13. Review status: criteria provided, single submitter. Criteria: ACMG Guidelines, 2015. Collection method: clinical testing. Allele origin: germline.
Comment: The ZNF292 c.4219G>A variant is predicted to result in the amino acid substitution p.Glu1407Lys. To our knowledge, this variant has not been reported in the literature. This variant is reported in 0.00089% of alleles in individuals of European (Non-Finnish) descent in gnomAD. At this time, the clinical significance of this variant is uncertain due to the absence of conclusive functional and genetic evidence.

Blueprint Genetics
Classification: Uncertain significance. Last evaluated: 2022-04-04. Review status: criteria provided, single submitter. Criteria: ACMG Guidelines, 2015. Collection method: clinical testing. Allele origin: germline.